The following is an entry in ClinVar:

NM_001113491.2(SEPTIN9):c.*40A>T

Gene: SEPTIN9 (septin 9; plus strand). Cytogenetic location: 17q25.3.
Variant type: single nucleotide variant.
Coding change: c.*40A>T on transcript NM_001113491.2 (MANE Select); 40 bases downstream of the stop codon, A replaced by T.
Molecular consequence: 3 prime UTR variant.
Genome position (GRCh38, 1-based): chr17:77,498,698, A>T. VCF-style: chr17-77498698-A-T. GRCh37 (hg19) VCF-style: chr17-75494780-A-T.
Other names: c.*40A>T (NM_001113496.2, NM_001293695.2, NM_001293696.2 and 7 more transcripts).
Identifiers: ClinVar variation 325578 (VCV000325578.10), dbSNP rs11537705, ClinGen allele CA8793952.

ClinVar aggregate classification (germline): Benign. Review status: criteria provided, multiple submitters, no conflicts (2 of 4 stars). 4 submissions from 4 submitters: Benign (4). Last evaluated 2021-12-05.

Conditions:
Amyotrophic neuralgia (HNA). Also called: AMYOTROPHY, HEREDITARY NEURALGIC; Hereditary Brachial Plexus Neuropathy; Neuritis with Brachial Predilection; AMYOTROPHY, HEREDITARY NEURALGIC, WITH PREDILECTION FOR BRACHIAL PLEXUS. Identifiers: Orphanet 2901, MedGen C1834304, MONDO:0008076, OMIM 162100.

Allele frequency attached by ClinVar (database versions not stated): ESP Exome Variant Server 0.17210; TOPMed 0.19396; gnomAD exomes 0.20140; 1000 Genomes Project 0.20707; 1000 Genomes Project 30x 0.22595; ExAC 0.33957; gnomAD 0.50158 and 0.50323.
gnomAD v4.1: 151,769 of 1,256,088 alleles (12%); highest among the groups gnomAD compares: African/African-American, 48%; 11,799 homozygotes.

Submissions (4):

Genome-Nilou Lab
Classification: Benign for Amyotrophic neuralgia. Last evaluated: 2021-12-05. Review status: criteria provided, single submitter. Criteria: ACMG Guidelines, 2015. Collection method: clinical testing. Allele origin: germline. Affected: no.

GeneDx
Classification: Benign. Last evaluated: 2018-07-24. Review status: criteria provided, single submitter. Criteria: GeneDx Variant Classification Process June 2021. Collection method: clinical testing. Allele origin: germline. Affected: yes.

Illumina Laboratory Services, Illumina
Classification: Benign for Amyotrophy, hereditary neuralgic. Last evaluated: 2018-01-13. Review status: criteria provided, single submitter. Criteria: ICSL Variant Classification Criteria 13 December 2019. Collection method: clinical testing. Allele origin: germline.
Comment: This variant was observed in the ICSL laboratory as part of a predisposition screen in an ostensibly healthy population. It had not been previously curated by ICSL or reported in the Human Gene Mutation Database (HGMD: prior to June 1st, 2018), and was therefore a candidate for classification through an automated scoring system. Utilizing variant allele frequency, disease prevalence and penetrance estimates, and inheritance mode, an automated score was calculated to assess if this variant is too frequent to cause the disease. Based on the score and internal cut-off values, a variant classified as benign is not then subjected to further curation. The score for this variant resulted in a classification of benign for this disease.

Breakthrough Genomics
Classification: Benign. Review status: criteria provided, single submitter. Criteria: ACMG Guidelines, 2015. Collection method: not provided. Allele origin: germline. Inheritance: Autosomal dominant inheritance. Affected: yes.